The following is an entry in ClinVar:

NM_004260.4(RECQL4):c.611C>T (p.Ala204Val)

Gene: RECQL4 (RecQ like helicase 4; minus strand). Cytogenetic location: 8q24.3.
Variant type: single nucleotide variant.
Coding change: c.611C>T on transcript NM_004260.4 (MANE Select); coding-DNA position 611, C replaced by T.
Protein change: p.Ala204Val; replaces alanine 204 with valine.
Molecular consequence: missense variant.
Genome position (GRCh38, 1-based): chr8:144,516,508, G>A on the plus strand (C>T on the coding strand, the complement: RECQL4 is on the minus strand). VCF-style: chr8-144516508-G-A. GRCh37 (hg19) VCF-style: chr8-145741892-G-A.
Other names: short protein forms A204V.
Identifiers: ClinVar variation 847912 (VCV000847912.6), dbSNP rs757780731, ClinGen allele CA4949238.
Genomic context (GRCh38, chr8:144,516,508, plus strand): 5'-TCACCAGGGATCAGAAGTTGTGATTCCTCTGAGCCTAGATCAGGCCTGCAGGCTTTGGGG[G>A]CCCCCAGAAAATCTGGGACCTCACTGTGACATCGCTGTAACCAGCCAGGATCTAGGGAGC-3'
Protein context (NP_004251.4, residues 194-214): CHSEVPDFLG[Ala204Val]PKACRPDLGS

ClinVar aggregate classification (germline): Conflicting classifications of pathogenicity. Review status: criteria provided, conflicting classifications (1 of 4 stars). 2 submissions from 2 submitters: Uncertain significance (1); Likely benign (1). Last evaluated 2025-03-03.

Conditions:
Inborn genetic diseases. Identifiers: MedGen C0950123, MeSH D030342.
Baller-Gerold syndrome (BGS). Also called: CRANIOSYNOSTOSIS WITH RADIAL DEFECTS. Identifiers: Orphanet 1225, MedGen C0265308, MONDO:0009039, OMIM 218600.

Allele frequency attached by ClinVar (database versions not stated): gnomAD exomes below 0.00001 and 0.00001; TOPMed below 0.00001; ExAC 0.00001; gnomAD 0.00001.

Submissions (2):

Ambry Genetics
Classification: Likely benign for Inborn genetic diseases. Last evaluated: 2025-03-03. Review status: criteria provided, single submitter. Criteria: Ambry Variant Classification Scheme 2023. Collection method: clinical testing. Allele origin: germline.

Labcorp Genetics (formerly Invitae), Labcorp
Classification: Uncertain significance for Baller-Gerold syndrome. Last evaluated: 2024-01-24. Review status: criteria provided, single submitter. Criteria: Invitae Variant Classification Sherloc (09022015). Collection method: clinical testing. Allele origin: germline.
Comment: This sequence change replaces alanine, which is neutral and non-polar, with valine, which is neutral and non-polar, at codon 204 of the RECQL4 protein (p.Ala204Val). The frequency data for this variant in the population databases is considered unreliable, as metrics indicate poor data quality at this position in the gnomAD database. This variant has not been reported in the literature in individuals affected with RECQL4-related conditions. ClinVar contains an entry for this variant (Variation ID: 847912). Advanced modeling of protein sequence and biophysical properties (such as structural, functional, and spatial information, amino acid conservation, physicochemical variation, residue mobility, and thermodynamic stability) performed at Invitae indicates that this missense variant is not expected to disrupt RECQL4 protein function with a negative predictive value of 80%. In summary, the available evidence is currently insufficient to determine the role of this variant in disease. Therefore, it has been classified as a Variant of Uncertain Significance.